The following is an entry in ClinVar:

NM_001848.3(COL6A1):c.2063A>C (p.Lys688Thr)

Gene: COL6A1 (collagen type VI alpha 1 chain; plus strand). Cytogenetic location: 21q22.3.
Variant type: single nucleotide variant.
Coding change: c.2063A>C on transcript NM_001848.3 (MANE Select); coding-DNA position 2063, A replaced by C.
Protein change: p.Lys688Thr; replaces lysine 688 with threonine.
Molecular consequence: missense variant.
Genome position (GRCh38, 1-based): chr21:46,002,067, A>C. VCF-style: chr21-46002067-A-C. GRCh37 (hg19) VCF-style: chr21-47421981-A-C.
Other names: short protein forms K688T.
Identifiers: ClinVar variation 1997029 (VCV001997029.4), dbSNP rs2526349624, ClinGen allele CA410535258.

ClinVar aggregate classification (germline): Uncertain significance (1 of 4 stars; one submission).

Conditions:
Bethlem myopathy 1A. Also called: MYOPATHY, BENIGN CONGENITAL, WITH CONTRACTURES; Bethlem myopathy 1; Bethlem Muscular Dystrophy. Identifiers: Orphanet 610, MedGen CN029274, MONDO:0024530, OMIM 158810.

Submission:

Labcorp Genetics (formerly Invitae), Labcorp
Classification: Uncertain significance for Bethlem myopathy 1A. Last evaluated: 2022-10-12. Review status: criteria provided, single submitter. Criteria: Invitae Variant Classification Sherloc (09022015). Collection method: clinical testing. Allele origin: germline.
Comment: In summary, the available evidence is currently insufficient to determine the role of this variant in disease. Therefore, it has been classified as a Variant of Uncertain Significance. Advanced modeling of protein sequence and biophysical properties (such as structural, functional, and spatial information, amino acid conservation, physicochemical variation, residue mobility, and thermodynamic stability) performed at Invitae indicates that this missense variant is not expected to disrupt COL6A1 protein function. This variant has not been reported in the literature in individuals affected with COL6A1-related conditions. This variant is not present in population databases (gnomAD no frequency). This sequence change replaces lysine, which is basic and polar, with threonine, which is neutral and polar, at codon 688 of the COL6A1 protein (p.Lys688Thr).